The following is an entry in ClinVar:

ClinVar aggregate classification (germline): Uncertain significance (1 of 4 stars; one submission).

Conditions:
Cryopyrin associated periodic syndrome (CAPS). Identifiers: Orphanet 208650, MedGen C2316212, MONDO:0016168.

Submission:

Labcorp Genetics (formerly Invitae), Labcorp
Classification: Uncertain significance for Cryopyrin associated periodic syndrome. Last evaluated: 2024-10-21. Review status: criteria provided, single submitter. Criteria: Invitae Variant Classification Sherloc (09022015). Collection method: clinical testing. Allele origin: germline.
Comment: This variant, c.2884_2892del, results in the deletion of 3 amino acid(s) of the NLRP3 protein (p.Ser962_Leu964del), but otherwise preserves the integrity of the reading frame. This variant is not present in population databases (gnomAD no frequency). This variant has not been reported in the literature in individuals affected with NLRP3-related conditions. Experimental studies and prediction algorithms are not available or were not evaluated, and the functional significance of this variant is currently unknown. In summary, the available evidence is currently insufficient to determine the role of this variant in disease. Therefore, it has been classified as a Variant of Uncertain Significance.

NM_001243133.2(NLRP3):c.2878_2886del (p.Ser960_Leu962del)

Gene: NLRP3 (NLR family pyrin domain containing 3; plus strand). Cytogenetic location: 1q44.
Variant type: Deletion.
Coding change: c.2878_2886del on transcript NM_001243133.2 (MANE Select); coding-DNA positions 2878 to 2886, 9 bases deleted (TCCACACTT; older notation c.2878_2886delTCCACACTT).
Protein change: p.Ser960_Leu962del.
Molecular consequence: inframe deletion.
Genome position (GRCh38, 1-based): chr1:247,444,694-247,444,702, TCCACACTT deleted; deleting any 9 consecutive bases within chr1:247,444,691-247,444,702 gives the same sequence; the c. name uses the placement nearest the transcript's 3' end. VCF-style (leftmost placement, unchanged base first): chr1-247444690-TCTTTCCACA-T. GRCh37 (hg19) VCF-style: chr1-247607992-TCTTTCCACA-T.
Other names: c.2878_2886del, p.Ser960_Leu962del (NM_001079821.3); c.2707_2715del, p.Ser903_Leu905del (NM_001127461.3, NM_001127462.3); c.2884_2892del, p.Ser962_Leu964del (NM_004895.5); c.2536_2544del, p.Ser846_Leu848del (NM_183395.3).
Identifiers: ClinVar variation 2871337 (VCV002871337.3), dbSNP rs1664476420, ClinGen allele CA1232108796.